The following is an entry in ClinVar:

ClinVar aggregate classification (germline): Uncertain significance. Review status: criteria provided, multiple submitters, no conflicts (2 of 4 stars). 2 submissions from 2 submitters: Uncertain significance (2). Last evaluated 2023-03-31.

Conditions:
Cardiovascular phenotype. Identifiers: MedGen CN230736.
Hypertrophic cardiomyopathy 14. Identifiers: MedGen C2750467, MONDO:0013197, OMIM 613251.

Allele frequency attached by ClinVar (database versions not stated): gnomAD exomes below 0.00001; TOPMed below 0.00001.
gnomAD v4.1: 3 of 1,606,324 alleles (0.00019%); highest among the groups gnomAD compares: Admixed American, 0.0017%; no homozygotes.

Submissions (2):

Ambry Genetics
Classification: Uncertain significance for Cardiovascular phenotype. Last evaluated: 2023-03-31. Review status: criteria provided, single submitter. Criteria: Ambry Variant Classification Scheme 2023. Collection method: clinical testing. Allele origin: germline.

Labcorp Genetics (formerly Invitae), Labcorp
Classification: Uncertain significance for Hypertrophic cardiomyopathy 14. Last evaluated: 2021-09-28. Review status: criteria provided, single submitter. Criteria: Invitae Variant Classification Sherloc (09022015). Collection method: clinical testing. Allele origin: germline.
Comment: In summary, the available evidence is currently insufficient to determine the role of this variant in disease. Therefore, it has been classified as a Variant of Uncertain Significance. Algorithms developed to predict the effect of missense changes on protein structure and function are either unavailable or do not agree on the potential impact of this missense change (SIFT: "Deleterious"; PolyPhen-2: "Probably Damaging"; Align-GVGD: "Class C0"). This variant has not been reported in the literature in individuals affected with MYH6-related conditions. This variant is present in population databases (rs771192855, ExAC 0.009%). This sequence change replaces tyrosine with asparagine at codon 1349 of the MYH6 protein (p.Tyr1349Asn). The tyrosine residue is weakly conserved and there is a large physicochemical difference between tyrosine and asparagine.

NM_002471.4(MYH6):c.4045T>A (p.Tyr1349Asn)

Gene: MYH6 (myosin heavy chain 6; minus strand). Cytogenetic location: 14q11.2.
Variant type: single nucleotide variant.
Coding change: c.4045T>A on transcript NM_002471.4 (MANE Select); coding-DNA position 4045, T replaced by A.
Protein change: p.Tyr1349Asn; replaces tyrosine 1349 with asparagine.
Molecular consequence: missense variant.
Genome position (GRCh38, 1-based): chr14:23,388,989, A>T on the plus strand (T>A on the coding strand, the complement: MYH6 is on the minus strand). VCF-style: chr14-23388989-A-T. GRCh37 (hg19) VCF-style: chr14-23858198-A-T.
Other names: c.4045T>A (NM_002471.3); short protein forms Y1349N.
Identifiers: ClinVar variation 1431725 (VCV001431725.7), dbSNP rs771192855, ClinGen allele CA7114945.
Genomic context (GRCh38, chr14:23,388,989, plus strand): 5'-CCGAGTTGGCCTTGGACAGGACGCGCTGCAGCTCGGCCTTGGCCTCTGTCTCCTCCTCGT[A>T]CTGCTCCCGCAGCAGGTCGCAGTCATGCCGGGCCGACTGCAGTGCATGGGCCAGGGCGTT-3'
Protein context (NP_002462.2, residues 1339-1359): RHDCDLLREQ[Tyr1349Asn]EEETEAKAEL